The following is an entry in ClinVar:

NM_001369.3(DNAH5):c.8956T>C (p.Tyr2986His)

Gene: DNAH5 (dynein axonemal heavy chain 5; minus strand). Cytogenetic location: 5p15.2.
Variant type: single nucleotide variant.
Coding change: c.8956T>C on transcript NM_001369.3 (MANE Select); coding-DNA position 8956, T replaced by C.
Protein change: p.Tyr2986His; replaces tyrosine 2986 with histidine.
Molecular consequence: missense variant.
Genome position (GRCh38, 1-based): chr5:13,777,351, A>G on the plus strand (T>C on the coding strand, the complement: DNAH5 is on the minus strand). VCF-style: chr5-13777351-A-G. GRCh37 (hg19) VCF-style: chr5-13777460-A-G.
Other names: short protein forms Y2986H.
Identifiers: ClinVar variation 454814 (VCV000454814.11), dbSNP rs369931315, ClinGen allele CA3202648.

ClinVar aggregate classification (germline): Uncertain significance. Review status: criteria provided, multiple submitters, no conflicts (2 of 4 stars). 4 submissions from 4 submitters: Uncertain significance (3). 1 of the submissions does not count toward it. Last evaluated 2024-10-16.

Conditions:
Primary ciliary dyskinesia. Also called: Ciliary dyskinesia. Identifiers: Orphanet 244, MedGen C0008780, MONDO:0016575, HP:0012265.

Allele frequency attached by ClinVar (database versions not stated): gnomAD 0.00005 and 0.00006; TOPMed 0.00005; ESP Exome Variant Server 0.00008; gnomAD exomes 0.00010 and 0.00012; ExAC 0.00017.
gnomAD v4.1: 167 of 1,612,730 alleles (0.01%); highest among the groups gnomAD compares: Non-Finnish European, 0.011%; no homozygotes.

Submissions (4):

Labcorp Genetics (formerly Invitae), Labcorp
Classification: Uncertain significance for Primary ciliary dyskinesia. Last evaluated: 2024-10-16. Review status: criteria provided, single submitter. Criteria: Invitae Variant Classification Sherloc (09022015). Collection method: clinical testing. Allele origin: germline.
Comment: This sequence change replaces tyrosine, which is neutral and polar, with histidine, which is basic and polar, at codon 2986 of the DNAH5 protein (p.Tyr2986His). This variant is present in population databases (rs369931315, gnomAD 0.03%). This variant has not been reported in the literature in individuals affected with DNAH5-related conditions. ClinVar contains an entry for this variant (Variation ID: 454814). Invitae Evidence Modeling of protein sequence and biophysical properties (such as structural, functional, and spatial information, amino acid conservation, physicochemical variation, residue mobility, and thermodynamic stability) has been performed for this missense variant. However, the output from this modeling did not meet the statistical confidence thresholds required to predict the impact of this variant on DNAH5 protein function. In summary, the available evidence is currently insufficient to determine the role of this variant in disease. Therefore, it has been classified as a Variant of Uncertain Significance.

Blueprint Genetics
Classification: Uncertain significance. Last evaluated: 2024-09-23. Review status: criteria provided, single submitter. Criteria: ACMG Guidelines, 2015. Collection method: clinical testing. Allele origin: germline.

GeneDx
Classification: Uncertain significance. Last evaluated: 2024-02-12. Review status: criteria provided, single submitter. Criteria: GeneDx Variant Classification Process June 2021. Collection method: clinical testing. Allele origin: germline. Affected: yes.
Comment: In silico analysis supports that this missense variant has a deleterious effect on protein structure/function; Has not been previously published as pathogenic or benign to our knowledge

Natera, Inc.
Classification: Uncertain significance for Primary ciliary dyskinesia. Last evaluated: 2019-10-28. Review status: no assertion criteria provided. Collection method: clinical testing. Allele origin: germline. Not counted in ClinVar's aggregate classification.